The following is an entry in ClinVar:

ClinVar aggregate classification (germline): Uncertain significance (1 of 4 stars; one submission).

gnomAD v4.1: 2 of 1,613,864 alleles (0.00012%); highest among the groups gnomAD compares: Non-Finnish European, 0.00017%; no homozygotes.

Submission:

Labcorp Genetics (formerly Invitae), Labcorp
Classification: Uncertain significance. Last evaluated: 2023-11-04. Review status: criteria provided, single submitter. Criteria: Invitae Variant Classification Sherloc (09022015). Collection method: clinical testing. Allele origin: germline.
Comment: This sequence change replaces proline, which is neutral and non-polar, with leucine, which is neutral and non-polar, at codon 732 of the DMXL2 protein (p.Pro732Leu). This variant is present in population databases (no rsID available, gnomAD 0.0009%). This variant has not been reported in the literature in individuals affected with DMXL2-related conditions. An algorithm developed to predict the effect of missense changes on protein structure and function (PolyPhen-2) suggests that this variant is likely to be disruptive. In summary, the available evidence is currently insufficient to determine the role of this variant in disease. Therefore, it has been classified as a Variant of Uncertain Significance.

NM_001378457.1(DMXL2):c.2195C>T (p.Pro732Leu)

Gene: DMXL2 (Dmx like 2; minus strand). Cytogenetic location: 15q21.2.
Variant type: single nucleotide variant.
Coding change: c.2195C>T on transcript NM_001378457.1 (MANE Select); coding-DNA position 2195, C replaced by T.
Protein change: p.Pro732Leu; replaces proline 732 with leucine.
Molecular consequence: missense variant. On other transcripts: non-coding transcript variant (2).
Genome position (GRCh38, 1-based): chr15:51,536,285, G>A on the plus strand (C>T on the coding strand, the complement: DMXL2 is on the minus strand). VCF-style: chr15-51536285-G-A. GRCh37 (hg19) VCF-style: chr15-51828482-G-A.
Other names: c.2195C>T, p.Pro732Leu (NM_001174116.3, NM_001174117.3, NM_001378458.1 and 6 more transcripts); c.1955C>T, p.Pro652Leu (NM_001378464.1); short protein forms P652L, P732L.
Identifiers: ClinVar variation 2693146 (VCV002693146.3), dbSNP rs1465928229, ClinGen allele CA392442483.
Genomic context (GRCh38, chr15:51,536,285, plus strand): 5'-TGTAAAGAGTTAATTCGAGCCAATTCTGATACTCCTCCAGTGTATGACAAAGGTCCTATT[G>A]GGTCTACACGCCACAGAATAAGTTCACTGTAGATTGCATTTGGGTCATGAAATGTACGAG-3'
Protein context (NP_001365386.1, residues 722-742): YSELILWRVD[Pro732Leu]IGPLSYTGGV